The following is an entry in ClinVar:

ClinVar aggregate classification (germline): Uncertain significance (1 of 4 stars; one submission).

Allele frequency attached by ClinVar (database versions not stated): gnomAD exomes 0.00001; ExAC 0.00002; gnomAD 0.00002; TOPMed 0.00002.
gnomAD v4.1: 12 of 1,612,432 alleles (0.00074%); highest among the groups gnomAD compares: African/African-American, 0.0093%; no homozygotes.

Submission:

Labcorp Genetics (formerly Invitae), Labcorp
Classification: Uncertain significance. Last evaluated: 2024-08-12. Review status: criteria provided, single submitter. Criteria: Invitae Variant Classification Sherloc (09022015). Collection method: clinical testing. Allele origin: germline.
Comment: This sequence change replaces alanine, which is neutral and non-polar, with serine, which is neutral and polar, at codon 207 of the WNT5A protein (p.Ala207Ser). The frequency data for this variant in the population databases is considered unreliable, as metrics indicate poor data quality at this position in the gnomAD database. This variant has not been reported in the literature in individuals affected with WNT5A-related conditions. ClinVar contains an entry for this variant (Variation ID: 2187177). An algorithm developed to predict the effect of missense changes on protein structure and function outputs the following: PolyPhen-2: "Benign". The serine amino acid residue is found in multiple mammalian species, which suggests that this missense change does not adversely affect protein function. In summary, the available evidence is currently insufficient to determine the role of this variant in disease. Therefore, it has been classified as a Variant of Uncertain Significance.

NM_003392.7(WNT5A):c.619G>T (p.Ala207Ser)

Gene: WNT5A (Wnt family member 5A; minus strand). Cytogenetic location: 3p14.3.
Variant type: single nucleotide variant.
Coding change: c.619G>T on transcript NM_003392.7 (MANE Select); coding-DNA position 619, G replaced by T.
Protein change: p.Ala207Ser; replaces alanine 207 with serine.
Molecular consequence: missense variant.
Genome position (GRCh38, 1-based): chr3:55,474,402, C>A on the plus strand (G>T on the coding strand, the complement: WNT5A is on the minus strand). VCF-style: chr3-55474402-C-A. GRCh37 (hg19) VCF-style: chr3-55508430-C-A.
Other names: c.574G>T, p.Ala192Ser (NM_001256105.1, NM_001377271.1, NM_001377272.1); short protein forms A192S, A207S.
Identifiers: ClinVar variation 2187177 (VCV002187177.4), dbSNP rs760160092, ClinGen allele CA2459016.
Genomic context (GRCh38, chr3:55,474,402, plus strand): 5'-GGCCGGCCTCGTTGTTGTGCAGGTTCATGAGGATGCGAGCACTCTCGTAGGAGCCCTTGG[C>A]GTGGATGCGCTCCCGCTCGCGGGCGTCCACGAACTCCTTGGCAAAGCGGTAGCCATAGTC-3'
Protein context (NP_003383.4, residues 197-217): VDARERERIH[Ala207Ser]KGSYESARIL